The following is an entry in ClinVar:

ClinVar aggregate classification (germline): Benign/Likely benign. Review status: criteria provided, multiple submitters, no conflicts (2 of 4 stars). 3 submissions from 3 submitters: Benign (1); Likely benign (2). Last evaluated 2025-10-01.

Conditions:
Hereditary cancer-predisposing syndrome. Also called: Neoplastic Syndromes, Hereditary; Hereditary Cancer Syndrome; Hereditary neoplastic syndrome; Tumor predisposition. Identifiers: Orphanet 140162, MedGen C0027672, MeSH D009386, MONDO:0015356.
Ataxia-telangiectasia syndrome (AT). Also called: ATAXIA-TELANGIECTASIA, COMPLEMENTATION GROUP A; ATAXIA-TELANGIECTASIA, FRESNO VARIANT; Ataxia-telangiectasia, complementation group E; Ataxia telangiectasia (A-T); LOUIS-BAR SYNDROME; Cerebello-oculocutaneous telangiectasia. Identifiers: Orphanet 100, MedGen C0004135, MONDO:0008840, OMIM 208900.
Familial cancer of breast. Also called: hereditary breast carcinoma; BREAST CANCER, FAMILIAL; Hereditary breast cancer. Identifiers: Orphanet 227535, MedGen C0346153, MONDO:0016419, OMIM 114480. Disease mechanism: loss of function.

Allele frequency attached by ClinVar (database versions not stated): TOPMed below 0.00001; ExAC 0.00001.
gnomAD v4.1: 3 of 1,613,880 alleles (0.00019%); highest among the groups gnomAD compares: Admixed American, 0.0033%; no homozygotes.

Submissions (3):

Labcorp Genetics (formerly Invitae), Labcorp
Classification: Likely benign for Ataxia-telangiectasia syndrome. Last evaluated: 2025-10-01. Review status: criteria provided, single submitter. Criteria: Invitae Variant Classification Sherloc (09022015). Collection method: clinical testing. Allele origin: germline.

Myriad Genetics, Inc.
Classification: Benign for Familial cancer of breast. Last evaluated: 2024-04-22. Review status: criteria provided, single submitter. Criteria: Myriad Autosomal Dominant, Autosomal Recessive and X-Linked Classification Criteria (2023). Collection method: clinical testing. Allele origin: unknown.
Comment: This variant is considered benign. This variant is a silent/synonymous amino acid change and it is not expected to impact splicing.

Ambry Genetics
Classification: Likely benign for Hereditary cancer-predisposing syndrome. Last evaluated: 2015-10-02. Review status: criteria provided, single submitter. Criteria: Ambry Variant Classification Scheme 2023. Collection method: clinical testing. Allele origin: germline.

NM_000051.4(ATM):c.648T>C (p.Ala216=)

Gene: ATM (ATM serine/threonine kinase; plus strand). Cytogenetic location: 11q22.3.
Variant type: single nucleotide variant.
Coding change: c.648T>C on transcript NM_000051.4 (MANE Select); coding-DNA position 648, T replaced by C.
Protein change: p.Ala216=; no amino-acid change (alanine 216 retained).
Molecular consequence: synonymous variant.
Genome position (GRCh38, 1-based): chr11:108,244,104, T>C. VCF-style: chr11-108244104-T-C. GRCh37 (hg19) VCF-style: chr11-108114831-T-C.
Other names: c.648T>C, p.Ala216= (NM_001351834.2).
Identifiers: ClinVar variation 826440 (VCV000826440.14), dbSNP rs770270310, ClinGen allele CA6264639.